The following is an entry in ClinVar:

ClinVar aggregate classification (germline): Uncertain significance (1 of 4 stars; one submission).

Conditions:
Muscular dystrophy-dystroglycanopathy (congenital with brain and eye anomalies), type A13. Also called: WALKER-WARBURG SYNDROME OR MUSCLE-EYE-BRAIN DISEASE, B3GNT1-RELATED; Muscular dystrophy-dystroglycanopathy (congenital with brain and eye anomalies), type a, 13. Identifiers: Orphanet 899, MedGen C3809042, MONDO:0014120, OMIM 615287.

Allele frequency attached by ClinVar (database versions not stated): gnomAD exomes 0.00001.

Submission:

Labcorp Genetics (formerly Invitae), Labcorp
Classification: Uncertain significance for Muscular dystrophy-dystroglycanopathy (congenital with brain and eye anomalies), type A13. Last evaluated: 2022-08-09. Review status: criteria provided, single submitter. Criteria: Invitae Variant Classification Sherloc (09022015). Collection method: clinical testing. Allele origin: germline.
Comment: This sequence change replaces asparagine, which is neutral and polar, with lysine, which is basic and polar, at codon 273 of the B4GAT1 protein (p.Asn273Lys). In summary, the available evidence is currently insufficient to determine the role of this variant in disease. Therefore, it has been classified as a Variant of Uncertain Significance. Algorithms developed to predict the effect of missense changes on protein structure and function (SIFT, PolyPhen-2, Align-GVGD) all suggest that this variant is likely to be tolerated. This variant has not been reported in the literature in individuals affected with B4GAT1-related conditions. This variant is not present in population databases (gnomAD no frequency).

NM_006876.3(B4GAT1):c.819C>G (p.Asn273Lys)

Gene: B4GAT1 (beta-1,4-glucuronyltransferase 1; minus strand). Cytogenetic location: 11q13.2.
Variant type: single nucleotide variant.
Coding change: c.819C>G on transcript NM_006876.3 (MANE Select); coding-DNA position 819, C replaced by G.
Protein change: p.Asn273Lys; replaces asparagine 273 with lysine.
Molecular consequence: missense variant.
Genome position (GRCh38, 1-based): chr11:66,346,727, G>C on the plus strand (C>G on the coding strand, the complement: B4GAT1 is on the minus strand). VCF-style: chr11-66346727-G-C. GRCh37 (hg19) VCF-style: chr11-66114198-G-C.
Other names: short protein forms N273K.
Identifiers: ClinVar variation 2197366 (VCV002197366.3), dbSNP rs1366256663, ClinGen allele CA381417583.